The following is an entry in ClinVar:

NM_005359.6(SMAD4):c.690G>A (p.Gly230=)

Gene: SMAD4 (SMAD family member 4; plus strand). Cytogenetic location: 18q21.2.
Variant type: single nucleotide variant.
Coding change: c.690G>A on transcript NM_005359.6 (MANE Select); coding-DNA position 690, G replaced by A.
Protein change: p.Gly230=; no amino-acid change (glycine 230 retained).
Molecular consequence: synonymous variant.
Genome position (GRCh38, 1-based): chr18:51,058,147, G>A. VCF-style: chr18-51058147-G-A. GRCh37 (hg19) VCF-style: chr18-48584517-G-A.
Identifiers: ClinVar variation 920560 (VCV000920560.9), dbSNP rs1599189462, ClinGen allele CA503993813.

ClinVar aggregate classification (germline): Benign/Likely benign. Review status: criteria provided, multiple submitters, no conflicts (2 of 4 stars). 4 submissions from 4 submitters: Benign (1); Likely benign (3). Last evaluated 2025-06-08.

Conditions:
Familial thoracic aortic aneurysm and aortic dissection (TAAD). Also called: Thoracic aortic aneurysms and dissections. Identifiers: Orphanet 91387, MedGen C4707243, MONDO:0019625.
Hereditary cancer-predisposing syndrome. Also called: Neoplastic Syndromes, Hereditary; Hereditary neoplastic syndrome; Tumor predisposition; Hereditary Cancer Syndrome. Identifiers: Orphanet 140162, MedGen C0027672, MeSH D009386, MONDO:0015356.
Juvenile polyposis syndrome (JPS). Identifiers: Orphanet 2929, MedGen C0345893, MONDO:0017380, OMIM 174900.
Juvenile polyposis/hereditary hemorrhagic telangiectasia syndrome (JPHT). Also called: POLYPOSIS, GENERALIZED JUVENILE, WITH PULMONARY ARTERIOVENOUS MALFORMATION; TELANGIECTASIA, HEREDITARY HEMORRHAGIC, WITH JUVENILE POLYPOSIS COLI; Juvenile Polyposis Syndrome / Hereditary Hemorrhagic Telangiectasia (JPS/HHT); JP/HHT SYNDROME; JUVENILE POLYPOSIS WITH HEREDITARY HEMORRHAGIC TELANGIECTASIA. Identifiers: Orphanet 2929, MedGen C1832942, MONDO:0008278, OMIM 175050.

Allele frequency attached by ClinVar (database versions not stated): gnomAD exomes below 0.00001.
gnomAD v4.1: 1 of 1,614,028 alleles (0.000062%); highest among the groups gnomAD compares: Non-Finnish European, 0.000085%; no homozygotes.

Submissions (4):

Labcorp Genetics (formerly Invitae), Labcorp
Classification: Likely benign for Juvenile polyposis syndrome. Last evaluated: 2025-06-08. Review status: criteria provided, single submitter. Criteria: Invitae Variant Classification Sherloc (09022015). Collection method: clinical testing. Allele origin: germline.

Myriad Genetics, Inc.
Classification: Benign for Juvenile polyposis/hereditary hemorrhagic telangiectasia syndrome. Last evaluated: 2025-03-19. Review status: criteria provided, single submitter. Criteria: Myriad Autosomal Dominant, Autosomal Recessive and X-Linked Classification Criteria (2023). Collection method: clinical testing. Allele origin: unknown.
Comment: This variant is considered benign. This variant is a silent/synonymous amino acid change and it is not expected to impact splicing.

Ambry Genetics
Classification: Likely benign for Hereditary cancer-predisposing syndrome; Familial thoracic aortic aneurysm and aortic dissection. Last evaluated: 2023-01-26. Review status: criteria provided, single submitter. Criteria: Ambry Variant Classification Scheme 2023. Collection method: clinical testing. Allele origin: germline.

Color Diagnostics, LLC DBA Color Health
Classification: Likely benign for Hereditary cancer-predisposing syndrome. Last evaluated: 2016-09-01. Review status: criteria provided, single submitter. Criteria: ACMG Guidelines, 2015. Collection method: clinical testing. Allele origin: germline.